The following is an entry in ClinVar:

Single allele

Variant type: Deletion.
Identifiers: ClinVar variation 157241 (VCV000157241.2).

ClinVar aggregate classification (germline): not provided (0 of 4 stars; one submission).

Conditions:
Small for gestational age. Also called: Low birth weight. Identifiers: MedGen C0235991, HP:0001518.

Submission:

Institute of Molecular and Cell Biology, University of Tartu
No classification provided. Condition: Small for gestational age. Review status: no classification provided. Collection method: case-control. Allele origin: unknown. Affected: yes. Study: Kasak2014.
Comment: The study aimed to determine the contribution of copy number variants in the genetic etiology of normal and complicated pregnancies. The samples represented (i) maternal blood DNA drawn from healthy pregnant women during 1st or 2nd trimester and (ii) maternal and paternal blood DNA drawn at term pregnancy cases representing normal and complicated gestations (severe preeclampsia, PE; gestational diabetes, GD; small-for-gestational age newborn, SGA; large-for-gestational age newborn, LGA). We performed CNV calling based on genome-wide genotyping dataset (Illumina HumanOmniExpress-24-v1 BeadChip) by applying three algorithms, QuantiSNP, GADA (Genome Alteration Detection Algorithm) and CNstream in parallel. The acquired CNV calls were merged with HD-CNV (Hotspot Detector for Copy Number Variants) program and only the CNVs predicted by at least two programs, were considered in subsequent analysis.

Literature cited by the submitters: PubMed 25666259.